The following is an entry in ClinVar:

NM_001007553.3(CSDE1):c.2009T>A (p.Ile670Asn)

Gene: CSDE1 (cold shock domain containing E1; minus strand). Cytogenetic location: 1p13.2.
Variant type: single nucleotide variant.
Coding change: c.2009T>A on transcript NM_001007553.3 (MANE Select); coding-DNA position 2009, T replaced by A.
Protein change: p.Ile670Asn; replaces isoleucine 670 with asparagine.
Molecular consequence: missense variant.
Genome position (GRCh38, 1-based): chr1:114,720,582, A>T on the plus strand (T>A on the coding strand, the complement: CSDE1 is on the minus strand). VCF-style: chr1-114720582-A-T. GRCh37 (hg19) VCF-style: chr1-115263203-A-T.
Other names: c.2054T>A, p.Ile685Asn (NM_001130523.3); c.2147T>A, p.Ile716Asn (NM_001242891.2); c.2009T>A, p.Ile670Asn (NM_001242892.2); c.1916T>A, p.Ile639Asn (NM_001242893.2, NM_007158.6); short protein forms I639N, I670N, I685N, I716N.
Identifiers: ClinVar variation 3764145 (VCV003764145.1).

ClinVar aggregate classification (germline): Uncertain significance (1 of 4 stars; one submission).

Submission:

GeneDx
Classification: Uncertain significance. Last evaluated: 2024-08-23. Review status: criteria provided, single submitter. Criteria: GeneDx Variant Classification Process June 2021. Collection method: clinical testing. Allele origin: germline. Affected: yes.
Comment: Not observed at significant frequency in large population cohorts (gnomAD); In silico analysis supports that this missense variant has a deleterious effect on protein structure/function; Has not been previously published as pathogenic or benign to our knowledge